The following is an entry in ClinVar:

ClinVar aggregate classification (germline): Likely benign. Review status: criteria provided, multiple submitters, no conflicts (2 of 4 stars). 3 submissions from 3 submitters: Likely benign (3). Last evaluated 2026-01-26.

Conditions:
USH2A-related disorder. Also called: USH2A-related condition; USH2A-related disorders. Identifiers: MedGen CN239332.

Allele frequency attached by ClinVar (database versions not stated): gnomAD exomes 0.00001 and 0.00003; ExAC 0.00006; TOPMed 0.00007; ESP Exome Variant Server 0.00008; gnomAD 0.00008 and 0.00009; 1000 Genomes Project 30x 0.00016; 1000 Genomes Project 0.00020.
gnomAD v4.1: 22 of 1,613,522 alleles (0.0014%); highest among the groups gnomAD compares: African/African-American, 0.024%; no homozygotes.

Submissions (3):

Labcorp Genetics (formerly Invitae), Labcorp
Classification: Likely benign. Last evaluated: 2026-01-26. Review status: criteria provided, single submitter. Criteria: Invitae Variant Classification Sherloc (09022015). Collection method: clinical testing. Allele origin: germline.

PreventionGenetics, part of Exact Sciences
Classification: Likely benign for USH2A-related condition. Last evaluated: 2024-12-13. Review status: criteria provided, single submitter. Criteria: ACMG Guidelines, 2015. Collection method: clinical testing. Allele origin: germline.
Comment: This variant is classified as likely benign based on ACMG/AMP sequence variant interpretation guidelines (Richards et al. 2015 PMID: 25741868, with internal and published modifications).

Blueprint Genetics
Classification: Likely benign. Last evaluated: 2023-07-11. Review status: criteria provided, single submitter. Criteria: ACMG Guidelines, 2015. Collection method: clinical testing. Allele origin: germline.

NM_206933.4(USH2A):c.4627+17T>C

Gene: USH2A (usherin; minus strand). Cytogenetic location: 1q41.
Variant type: single nucleotide variant.
Coding change: c.4627+17T>C on transcript NM_206933.4 (MANE Select); 17 bases into the intron after coding-DNA position 4627, T replaced by C.
Molecular consequence: intron variant. On other transcripts: 3 prime UTR variant (1).
Genome position (GRCh38, 1-based): chr1:216,175,235, A>G on the plus strand (T>C on the coding strand, the complement: USH2A is on the minus strand). VCF-style: chr1-216175235-A-G. GRCh37 (hg19) VCF-style: chr1-216348577-A-G.
Other names: c.*3T>C (NM_007123.6); c.4627+17T>C (NM_206933.2).
Identifiers: ClinVar variation 1547253 (VCV001547253.10), dbSNP rs144503960, ClinGen allele CA1395679.